The following is an entry in ClinVar:

NM_000742.4(CHRNA2):c.1181G>A (p.Arg394His)

Gene: CHRNA2 (cholinergic receptor nicotinic alpha 2 subunit; minus strand). Cytogenetic location: 8p21.2.
Variant type: single nucleotide variant.
Coding change: c.1181G>A on transcript NM_000742.4 (MANE Select); coding-DNA position 1181, G replaced by A.
Protein change: p.Arg394His; replaces arginine 394 with histidine.
Molecular consequence: missense variant.
Genome position (GRCh38, 1-based): chr8:27,463,262, C>T on the plus strand (G>A on the coding strand, the complement: CHRNA2 is on the minus strand). VCF-style: chr8-27463262-C-T. GRCh37 (hg19) VCF-style: chr8-27320779-C-T.
Other names: c.1136G>A, p.Arg379His (NM_001282455.2); c.704G>A, p.Arg235His (NM_001347705.2, NM_001347706.2); c.587G>A, p.Arg196His (NM_001347707.2, NM_001347708.2); short protein forms R394H, R196H, R235H, R379H.
Identifiers: ClinVar variation 422890 (VCV000422890.11), dbSNP rs761054762, ClinGen allele CA4689506.
Genomic context (GRCh38, chr8:27,463,262, plus strand): 5'-TCCCTCTCCTCGGCATCCACGTTGCTCTCCAGCCAGTGATAAGAGGGGCTGAGCTTCAGG[C>T]GTAGGGGGTGGCAGAGCTCCACGGGTGGTGGGGGCCGGTTCATCAGAAGCCACCGGGGCA-3'
Protein context (NP_000733.2, residues 384-404): PPPVELCHPL[Arg394His]LKLSPSYHWL

ClinVar aggregate classification (germline): Uncertain significance. Review status: criteria provided, multiple submitters, no conflicts (2 of 4 stars). 3 submissions from 3 submitters: Uncertain significance (3). Last evaluated 2022-08-16.

Conditions:
Familial sleep-related hypermotor epilepsy. Also called: Autosomal Dominant Sleep-Related Hypermotor (Hyperkinetic) Epilepsy. Identifiers: Orphanet 98784, MedGen C3696898, MONDO:0000030.
Autosomal dominant nocturnal frontal lobe epilepsy 4. Also called: CHRNA2-Related Nocturnal Frontal Lobe Epilepsy, Autosomal Dominant; EPILEPSY, FAMILIAL, WITH NOCTURNAL WANDERING AND ICTAL FEAR. Identifiers: Orphanet 98784, MedGen C1835905, MONDO:0012474, OMIM 610353.

Allele frequency attached by ClinVar (database versions not stated): gnomAD exomes 0.00001; gnomAD 0.00001; TOPMed 0.00002; ExAC 0.00001.

Submissions (3):

Labcorp Genetics (formerly Invitae), Labcorp
Classification: Uncertain significance. Last evaluated: 2022-08-16. Review status: criteria provided, single submitter. Criteria: Invitae Variant Classification Sherloc (09022015). Collection method: clinical testing. Allele origin: germline.
Comment: This sequence change replaces arginine, which is basic and polar, with histidine, which is basic and polar, at codon 394 of the CHRNA2 protein (p.Arg394His). This variant is present in population databases (rs761054762, gnomAD 0.01%). This variant has not been reported in the literature in individuals affected with CHRNA2-related conditions. ClinVar contains an entry for this variant (Variation ID: 422890). Advanced modeling of protein sequence and biophysical properties (such as structural, functional, and spatial information, amino acid conservation, physicochemical variation, residue mobility, and thermodynamic stability) performed at Invitae indicates that this missense variant is not expected to disrupt CHRNA2 protein function. In summary, the available evidence is currently insufficient to determine the role of this variant in disease. Therefore, it has been classified as a Variant of Uncertain Significance.

Revvity Omics, Revvity
Classification: Uncertain significance for Autosomal dominant nocturnal frontal lobe epilepsy 4. Last evaluated: 2020-03-16. Review status: criteria provided, single submitter. Criteria: ACMG Guidelines, 2015. Collection method: clinical testing. Allele origin: germline.

GeneDx
Classification: Uncertain significance. Last evaluated: 2016-12-19. Review status: criteria provided, single submitter. Criteria: GeneDx Variant Classification (06012015). Collection method: clinical testing. Allele origin: germline. Affected: yes.
Comment: A variant of uncertain significance has been identified in the CHRNA2 gene. The R394H variant has not been published as a pathogenic variant, nor has it been reported as a benign variant to our knowledge. The R394H variant is not observed at a significant frequency in large population cohorts (Lek et al., 2016; 1000 Genomes Consortium et al., 2015; Exome Variant Server). The R394H variant is a conservative amino acid substitution, which is not likely to impact secondary protein structure as these residues share similar properties. Additionally, this substitution occurs at a position that is not conserved, and in silico analysis predicts this variant likely does not alter the protein structure/function. Therefore, based on the currently available information, it is unclear whether this variant is a pathogenic variant or a rare benign variant.